The following is an entry in ClinVar:

ClinVar aggregate classification (germline): Pathogenic/Likely pathogenic. Review status: criteria provided, multiple submitters, no conflicts (2 of 4 stars). 2 submissions from 2 submitters: Pathogenic (1); Likely pathogenic (1). Last evaluated 2023-04-19.

Conditions:
Sulfite oxidase deficiency due to molybdenum cofactor deficiency type A. Also called: Molybdenum cofactor deficiency, complementation group A; Molybdenum Cofactor Deficiency A. Identifiers: Orphanet 308386, Orphanet 833, MedGen C1854988, MONDO:0009643, OMIM 252150.
MOCS1-related disorder. Also called: MOCS1-related condition.

Allele frequency attached by ClinVar (database versions not stated): gnomAD 0.00001; TOPMed 0.00001.

Submissions (2):

PreventionGenetics, part of Exact Sciences
Classification: Likely pathogenic for MOCS1-related condition. Last evaluated: 2023-04-19. Review status: criteria provided, single submitter. Criteria: ACMG Guidelines, 2015. Collection method: clinical testing. Allele origin: germline.
Comment: The MOCS1 c.306_309dupGACC variant is predicted to result in a frameshift and premature protein termination (p.Thr104Aspfs*86). To our knowledge, this variant has not been reported in the literature or in a large population database, indicating this variant is rare. Frameshift variants in MOCS1 are expected to be pathogenic. This variant is interpreted as likely pathogenic.

Labcorp Genetics (formerly Invitae), Labcorp
Classification: Pathogenic for Sulfite oxidase deficiency due to molybdenum cofactor deficiency type A. Last evaluated: 2022-12-04. Review status: criteria provided, single submitter. Criteria: Invitae Variant Classification Sherloc (09022015). Collection method: clinical testing. Allele origin: germline.
Comment: For these reasons, this variant has been classified as Pathogenic. This variant has not been reported in the literature in individuals affected with MOCS1-related conditions. This variant is not present in population databases (gnomAD no frequency). This sequence change creates a premature translational stop signal (p.Thr104Aspfs*86) in the MOCS1 gene. It is expected to result in an absent or disrupted protein product. Loss-of-function variants in MOCS1 are known to be pathogenic (PMID: 12754701, 16021469).

Literature cited by the submitters: PubMed 12754701 (cited by Labcorp Genetics (formerly Invitae), Labcorp); PubMed 16021469 (cited by Labcorp Genetics (formerly Invitae), Labcorp).

NM_001358530.2(MOCS1):c.306_309dup (p.Thr104fs)

Gene: MOCS1 (molybdenum cofactor synthesis 1; minus strand). Cytogenetic location: 6p21.2.
Variant type: Duplication.
Coding change: c.306_309dup on transcript NM_001358530.2 (MANE Select); coding-DNA positions 306 to 309, 4 bases duplicated (GACC; older notation c.306_309dupGACC).
Protein change: p.Thr104fs; shifts the reading frame from threonine 104.
Molecular consequence: frameshift variant. On other transcripts: non-coding transcript variant (1).
Genome position (GRCh38, 1-based): chr6:39,925,787-39,925,790, GGTC duplicated on the plus strand (GACC on the coding strand, the reverse complement: MOCS1 is on the minus strand). VCF-style (leftmost placement, unchanged base first): chr6-39925786-T-TGGTC. GRCh37 (hg19) VCF-style: chr6-39893530-T-TGGTC.
Other names: c.306_309dup, p.Thr104fs (NM_005943.6, NM_001075098.4, NM_001358529.2); c.45_48dup, p.Thr17fs (NM_001358531.2, NM_001358533.2, NM_001358534.2); short protein forms T104fs, T17fs.
Identifiers: ClinVar variation 2633148 (VCV002633148.6), dbSNP rs1768254382, ClinGen allele CA1088146877.
Genomic context (GRCh38, chr6:39,925,786, plus strand): 5'-GCCGGATCTTGTCGATGCCTTCCTTCACAAAGAGCCGGGCGAGGGTCAGGATCTCCTCTG[T>TGGTC]GGTCAGCAGGTTGGCTTTGGGGGTCAGCGGGACCCCCTCCTCGGGCATGCAGTACTGACC-3'